The following is an entry in ClinVar:

NM_006231.4(POLE):c.1075A>C (p.Met359Leu)

Gene: POLE (DNA polymerase epsilon, catalytic subunit; minus strand). Cytogenetic location: 12q24.33.
Variant type: single nucleotide variant.
Coding change: c.1075A>C on transcript NM_006231.4 (MANE Select); coding-DNA position 1075, A replaced by C.
Protein change: p.Met359Leu; replaces methionine 359 with leucine.
Molecular consequence: missense variant.
Genome position (GRCh38, 1-based): chr12:132,675,766, T>G on the plus strand (A>C on the coding strand, the complement: POLE is on the minus strand). VCF-style: chr12-132675766-T-G. GRCh37 (hg19) VCF-style: chr12-133252352-T-G.
Other names: short protein forms M359L.
Identifiers: ClinVar variation 1784582 (VCV001784582.2), dbSNP rs2136011317, ClinGen allele CA387361478.

ClinVar aggregate classification (germline): Uncertain significance (1 of 4 stars; one submission).

Conditions:
Hereditary cancer-predisposing syndrome. Also called: Neoplastic Syndromes, Hereditary; Tumor predisposition; Hereditary Cancer Syndrome; Hereditary neoplastic syndrome. Identifiers: Orphanet 140162, MedGen C0027672, MeSH D009386, MONDO:0015356.

Submission:

Ambry Genetics
Classification: Uncertain significance for Hereditary cancer-predisposing syndrome. Last evaluated: 2022-07-12. Review status: criteria provided, single submitter. Criteria: Ambry Variant Classification Scheme 2023. Collection method: clinical testing. Allele origin: germline.
Comment: The p.M359L variant (also known as c.1075A>C), located in coding exon 11 of the POLE gene, results from an A to C substitution at nucleotide position 1075. The methionine at codon 359 is replaced by leucine, an amino acid with highly similar properties. This amino acid position is conserved. In addition, this alteration is predicted to be tolerated by in silico analysis. Since supporting evidence is limited at this time, the clinical significance of this alteration remains unclear.